The following is an entry in ClinVar:

ClinVar aggregate classification (germline): Conflicting classifications of pathogenicity. Review status: criteria provided, conflicting classifications (1 of 4 stars). 2 submissions from 2 submitters: Uncertain significance (1); Likely benign (1). Last evaluated 2026-02-04.

Conditions:
Hereditary cancer-predisposing syndrome. Also called: Tumor predisposition; Neoplastic Syndromes, Hereditary; Hereditary Cancer Syndrome; Hereditary neoplastic syndrome. Identifiers: Orphanet 140162, MedGen C0027672, MeSH D009386, MONDO:0015356.
POLD1-related polyposis and colorectal cancer syndrome (CRCS10). Also called: Colorectal cancer 10; COLORECTAL CANCER, SUSCEPTIBILITY TO, ON CHROMOSOME 19q; Colorectal cancer, susceptibility to, 10. Identifiers: Orphanet 220460, MedGen C2675481, MONDO:0012953, OMIM 612591.

Allele frequency attached by ClinVar (database versions not stated): gnomAD 0.00001; gnomAD exomes 0.00001; TOPMed 0.00002.

Submissions (2):

Labcorp Genetics (formerly Invitae), Labcorp
Classification: Uncertain significance for POLD1-related polyposis and colorectal cancer syndrome. Last evaluated: 2026-02-04. Review status: criteria provided, single submitter. Criteria: Invitae Variant Classification Sherloc (09022015). Collection method: clinical testing. Allele origin: germline.
Comment: This sequence change replaces serine, which is neutral and polar, with threonine, which is neutral and polar, at codon 928 of the POLD1 protein (p.Ser928Thr). This variant is not present in population databases (gnomAD no frequency). This variant has not been reported in the literature in individuals affected with POLD1-related conditions. ClinVar contains an entry for this variant (Variation ID: 537079). Invitae Evidence Modeling of protein sequence and biophysical properties (such as structural, functional, and spatial information, amino acid conservation, physicochemical variation, residue mobility, and thermodynamic stability) indicates that this missense variant is not expected to disrupt POLD1 protein function with a negative predictive value of 80%. In summary, the available evidence is currently insufficient to determine the role of this variant in disease. Therefore, it has been classified as a Variant of Uncertain Significance.

Ambry Genetics
Classification: Likely benign for Hereditary cancer-predisposing syndrome. Last evaluated: 2024-03-28. Review status: criteria provided, single submitter. Criteria: Ambry Variant Classification Scheme 2023. Collection method: clinical testing. Allele origin: germline.

NM_002691.4(POLD1):c.2783G>C (p.Ser928Thr)

Gene: POLD1 (DNA polymerase delta 1, catalytic subunit; plus strand). Cytogenetic location: 19q13.33.
Variant type: single nucleotide variant.
Coding change: c.2783G>C on transcript NM_002691.4 (MANE Select); coding-DNA position 2783, G replaced by C.
Protein change: p.Ser928Thr; replaces serine 928 with threonine.
Molecular consequence: missense variant.
Genome position (GRCh38, 1-based): chr19:50,415,789, G>C. VCF-style: chr19-50415789-G-C. GRCh37 (hg19) VCF-style: chr19-50919046-G-C.
Other names: c.2783G>C, p.Ser928Thr (NM_001256849.1, LRG_785t1); c.2861G>C, p.Ser954Thr (NM_001308632.1, LRG_785t2); short protein forms S954T, S928T.
Identifiers: ClinVar variation 537079 (VCV000537079.11), dbSNP rs1189529370, ClinGen allele CA406986017.